The following is an entry in ClinVar:

ClinVar aggregate classification (germline): Uncertain significance. Review status: criteria provided, multiple submitters, no conflicts (2 of 4 stars). 2 submissions from 2 submitters: Uncertain significance (2). Last evaluated 2025-03-11.

Conditions:
Primary dilated cardiomyopathy (DCM). Also called: Dilated Cardiomyopathy. Identifiers: Orphanet 217604, MedGen C0007193, MeSH D002311, MONDO:0005021, HP:0001644. Inheritance: Various modes of inheritance.

Allele frequency attached by ClinVar (database versions not stated): gnomAD exomes 0.00002 and 0.00005; ExAC 0.00003; gnomAD 0.00004; TOPMed 0.00006; ESP Exome Variant Server 0.00008.
gnomAD v4.1: 79 of 1,613,904 alleles (0.0049%); highest among the groups gnomAD compares: Non-Finnish European, 0.0063%; no homozygotes.

Submissions (2):

Labcorp Genetics (formerly Invitae), Labcorp
Classification: Uncertain significance for Primary dilated cardiomyopathy. Last evaluated: 2025-03-11. Review status: criteria provided, single submitter. Criteria: Invitae Variant Classification Sherloc (09022015). Collection method: clinical testing. Allele origin: germline.
Comment: This sequence change replaces arginine, which is basic and polar, with histidine, which is basic and polar, at codon 261 of the FHL2 protein (p.Arg261His). This variant is present in population databases (rs371759004, gnomAD 0.008%). This variant has not been reported in the literature in individuals affected with FHL2-related conditions. ClinVar contains an entry for this variant (Variation ID: 1041941). Invitae Evidence Modeling of protein sequence and biophysical properties (such as structural, functional, and spatial information, amino acid conservation, physicochemical variation, residue mobility, and thermodynamic stability) indicates that this missense variant is not expected to disrupt FHL2 protein function with a negative predictive value of 80%. In summary, the available evidence is currently insufficient to determine the role of this variant in disease. Therefore, it has been classified as a Variant of Uncertain Significance.

Ambry Genetics
Classification: Uncertain significance. Last evaluated: 2024-01-30. Review status: criteria provided, single submitter. Criteria: Ambry Variant Classification Scheme 2023. Collection method: clinical testing. Allele origin: germline.

NM_001318895.3(FHL2):c.782G>A (p.Arg261His)

Genes: FHL2 (four and a half LIM domains 2; minus strand), C2orf49 (chromosome 2 open reading frame 49; plus strand). Cytogenetic location: 2q12.2.
Variant type: single nucleotide variant.
Coding change: c.782G>A on transcript NM_001318895.3 (MANE Select); coding-DNA position 782, G replaced by A.
Protein change: p.Arg261His; replaces arginine 261 with histidine.
Molecular consequence: missense variant.
Genome position (GRCh38, 1-based): chr2:105,361,341, C>T on the plus strand (G>A on the coding strand, the complement: FHL2 is on the minus strand). VCF-style: chr2-105361341-C-T. GRCh37 (hg19) VCF-style: chr2-105977798-C-T.
Other names: c.782G>A (NM_201555.1); c.782G>A, p.Arg261His (NM_001039492.3, NM_001318894.1, NM_001318896.2 and 4 more transcripts); c.440G>A, p.Arg147His (NM_001318897.2, NM_001318898.2); c.458G>A, p.Arg153His (NM_001318899.2); short protein forms R153H, R147H, R261H.
Identifiers: ClinVar variation 1041941 (VCV001041941.6), dbSNP rs371759004, ClinGen allele CA1814653.